The following is an entry in ClinVar:

NM_000236.3(LIPC):c.775C>T (p.Leu259Phe)

Gene: LIPC (lipase C, hepatic type; plus strand). Cytogenetic location: 15q21.3.
Variant type: single nucleotide variant.
Coding change: c.775C>T on transcript NM_000236.3 (MANE Select); coding-DNA position 775, C replaced by T.
Protein change: p.Leu259Phe; replaces leucine 259 with phenylalanine.
Molecular consequence: missense variant.
Genome position (GRCh38, 1-based): chr15:58,545,942, C>T. VCF-style: chr15-58545942-C-T. GRCh37 (hg19) VCF-style: chr15-58838141-C-T.
Other names: short protein forms L259F.
Identifiers: ClinVar variation 1050073 (VCV001050073.1), dbSNP rs890827794, ClinGen allele CA392612843.

ClinVar aggregate classification (germline): Uncertain significance (0 of 4 stars; one submission).

Allele frequency attached by ClinVar (database versions not stated): gnomAD exomes below 0.00001.
gnomAD v4.1: 1 of 1,614,142 alleles (0.000062%); highest among the groups gnomAD compares: Non-Finnish European, 0.000085%; no homozygotes.

Submission:

Department of Pathology and Laboratory Medicine, Sinai Health System
Classification: Uncertain significance. Review status: no assertion criteria provided. Collection method: clinical testing. Allele origin: unknown. Affected: yes. Study: The Canadian Open Genetics Repository (COGR).
Comment: The LIPC p.Leu259Phe variant was not identified in the literature nor was it identified in ClinVar or LOVD 3.0. The variant was identified in dbSNP (ID: rs890827794) and in control databases in 1 of 251444 chromosomes at a frequency of 0.000003977 (Genome Aggregation Database March 6, 2019, v2.1.1). The variant was observed in the European (non-Finnish) population in 1 of 113726 chromosomes (freq: 0.000009), but was not observed in the African, Latino, Ashkenazi Jewish, East Asian, European (Finnish), Other or South Asian populations. The p.Leu259 residue is not conserved in mammals and computational analyses (PolyPhen-2, SIFT, AlignGVGD, BLOSUM, MutationTaster) provide inconsistent predictions regarding the impact to the protein; this information is not very predictive of pathogenicity. The variant occurs outside of the splicing consensus sequence and in silico or computational prediction software programs (SpliceSiteFinder, MaxEntScan, NNSPLICE, GeneSplicer) do not predict a difference in splicing. In summary, based on the above information the clinical significance of this variant cannot be determined with certainty at this time. This variant is classified as a variant of uncertain significance.